The following is an entry in ClinVar:

NM_004655.4(AXIN2):c.1956T>C (p.Ser652=)

Gene: AXIN2 (axin 2; minus strand). Cytogenetic location: 17q24.1.
Variant type: single nucleotide variant.
Coding change: c.1956T>C on transcript NM_004655.4 (MANE Select); coding-DNA position 1956, T replaced by C.
Protein change: p.Ser652=; no amino-acid change (serine 652 retained).
Molecular consequence: synonymous variant.
Genome position (GRCh38, 1-based): chr17:65,536,505, A>G on the plus strand (T>C on the coding strand, the complement: AXIN2 is on the minus strand). VCF-style: chr17-65536505-A-G. GRCh37 (hg19) VCF-style: chr17-63532623-A-G.
Other names: c.1761T>C, p.Ser587= (NM_001363813.1); c.1956T>C (NM_004655.3).
Identifiers: ClinVar variation 1125645 (VCV001125645.11), dbSNP rs2043920650, ClinGen allele CA501690995.

ClinVar aggregate classification (germline): Likely benign. Review status: criteria provided, multiple submitters, no conflicts (2 of 4 stars). 3 submissions from 3 submitters: Likely benign (3). Last evaluated 2026-03-01.

Conditions:
Hereditary cancer-predisposing syndrome. Also called: Tumor predisposition; Hereditary Cancer Syndrome; Neoplastic Syndromes, Hereditary; Hereditary neoplastic syndrome. Identifiers: Orphanet 140162, MedGen C0027672, MeSH D009386, MONDO:0015356.
AXIN2-related disorder.
Oligodontia-cancer predisposition syndrome. Also called: TOOTH AGENESIS-COLORECTAL CANCER SYNDROME. Identifiers: Orphanet 300576, MedGen C1837750, MONDO:0012075, OMIM 608615. Disease mechanism: loss of function.

Submissions (3):

Ambry Genetics
Classification: Likely benign for Hereditary cancer-predisposing syndrome. Last evaluated: 2026-03-01. Review status: criteria provided, single submitter. Criteria: Ambry Variant Classification Scheme 2023. Collection method: clinical testing. Allele origin: germline.

Labcorp Genetics (formerly Invitae), Labcorp
Classification: Likely benign for Oligodontia-cancer predisposition syndrome. Last evaluated: 2025-06-02. Review status: criteria provided, single submitter. Criteria: Invitae Variant Classification Sherloc (09022015). Collection method: clinical testing. Allele origin: germline.

PreventionGenetics, part of Exact Sciences
Classification: Likely benign for AXIN2-related condition. Last evaluated: 2024-12-07. Review status: criteria provided, single submitter. Criteria: ACMG Guidelines, 2015. Collection method: clinical testing. Allele origin: germline.
Comment: This variant is classified as likely benign based on ACMG/AMP sequence variant interpretation guidelines (Richards et al. 2015 PMID: 25741868, with internal and published modifications).